The following is an entry in ClinVar:

NM_000518.5(HBB):c.19_20delinsAT (p.Glu7Met)

Genes: HBB (hemoglobin subunit beta; minus strand), LOC106099062 (HBB recombination region; plus strand), LOC107133510 (origin of replication at HBB; plus strand). Cytogenetic location: 11p15.4.
Variant type: Indel.
Coding change: c.19_20delinsAT on transcript NM_000518.5 (MANE Select); coding-DNA positions 19 to 20, GA replaced by AT.
Protein change: p.Glu7Met; replaces glutamic acid 7 with methionine.
Molecular consequence: missense variant.
Genome position (GRCh38, 1-based): chr11:5,227,002-5,227,003, TC replaced by AT on the plus strand (GA replaced by AT on the coding strand, the reverse complement: HBB is on the minus strand). VCF-style: chr11-5227002-TC-AT. GRCh37 (hg19) VCF-style: chr11-5248232-TC-AT.
Other names: short protein forms E7M.
Identifiers: ClinVar variation 36301 (VCV000036301.3), dbSNP rs193922552, ClinGen allele CA342851.
Genomic context (GRCh38, chr11:5,227,002, plus strand): 5'-TCACCACCAACTTCATCCACGTTCACCTTGCCCCACAGGGCAGTAACGGCAGACTTCTCC[TC>AT]AGGAGTCAGATGCACCATGGTGTCTGTTTGAGGTTGCTAGTGAACACAGTTGTGTCAGAA-3'
Protein context (NP_000509.1, residues 1-17): MVHLTP[Glu7Met]EKSAVTALWG

ClinVar aggregate classification (germline): Likely pathogenic (1 of 4 stars; one submission).

Conditions:
beta Thalassemia (BTHAL). Also called: Cooley's anemia; Erythroblastic anemia; Mediterranean anemia. Identifiers: Orphanet 848, MedGen C0005283, MONDO:0019402. Disease mechanism: loss of function.

Submission:

Women's Health and Genetics/Laboratory Corporation of America, LabCorp
Classification: Likely pathogenic for Beta Thalassemia. Last evaluated: 2011-08-18. Review status: criteria provided, single submitter. Criteria: LabCorp Variant Classification Summary - May 2015. Collection method: curation. Allele origin: germline. Inheritance: autosomal unknown. Affected: yes.
ClinVar note: Converted during submission from likely pathogenic to Likely pathogenic.